The following is an entry in ClinVar:

NM_001191016.3(CASP12):c.921T>C (p.Phe307=)

Gene: CASP12 (caspase 12 (gene/pseudogene); minus strand). Cytogenetic location: 11q22.3.
Variant type: single nucleotide variant.
Coding change: c.921T>C on transcript NM_001191016.3 (MANE Select); coding-DNA position 921, T replaced by C.
Protein change: p.Phe307=; no amino-acid change (phenylalanine 307 retained).
Molecular consequence: synonymous variant. On other transcripts: non-coding transcript variant (5).
Genome position (GRCh38, 1-based): chr11:104,887,202, A>G on the plus strand (T>C on the coding strand, the complement: CASP12 is on the minus strand). VCF-style: chr11-104887202-A-G. GRCh37 (hg19) VCF-style: chr11-104757929-A-G.
Identifiers: ClinVar variation 3038352 (VCV003038352.2), dbSNP rs181763844, ClinGen allele CA6256329.

ClinVar aggregate classification (germline): Likely benign (0 of 4 stars; one submission).

Conditions:
CASP12-related disorder. Also called: CASP12-related condition.

Allele frequency attached by ClinVar (database versions not stated): gnomAD exomes 0.00018; ExAC 0.00029; 1000 Genomes Project 0.00140; TOPMed 0.00168; gnomAD 0.00178; 1000 Genomes Project 30x 0.00187.

Submission:

PreventionGenetics, part of Exact Sciences
Classification: Likely benign for CASP12-related condition. Last evaluated: 2019-05-02. Review status: no assertion criteria provided. Collection method: clinical testing. Allele origin: germline.
Comment: This variant is classified as likely benign based on ACMG/AMP sequence variant interpretation guidelines (Richards et al. 2015 PMID: 25741868, with internal and published modifications).